The following is an entry in ClinVar:

ClinVar aggregate classification (germline): Pathogenic. Review status: criteria provided, multiple submitters, no conflicts (2 of 4 stars). 2 submissions from 2 submitters: Pathogenic (2). Last evaluated 2025-08-06.

Conditions:
Cardiovascular phenotype. Identifiers: MedGen CN230736.
Arrhythmogenic right ventricular dysplasia 9 (ARVD9). Also called: Arrhythmogenic Right Ventricular Dysplasia/Cardiomyopathy 9; ARRHYTHMOGENIC RIGHT VENTRICULAR DYSPLASIA, FAMILIAL, 9. Identifiers: MedGen C1836906, MONDO:0012180, OMIM 609040.

Submissions (2):

Ambry Genetics
Classification: Pathogenic for Cardiovascular phenotype. Last evaluated: 2025-08-06. Review status: criteria provided, single submitter. Criteria: Ambry Variant Classification Scheme 2023. Collection method: clinical testing. Allele origin: germline.
Comment: The p.Q59* pathogenic mutation (also known as c.175C>T), located in coding exon 1 of the PKP2 gene, results from a C to T substitution at nucleotide position 175. This changes the amino acid from a glutamine to a stop codon within coding exon 1. This variant was reported in individual(s) with features consistent with arrhythmogenic right ventricular cardiomyopathy (ARVC) (Rigato I et al. Circ Cardiovasc Genet, 2013 Dec;6:533-42; Zorzi A et al. Europace, 2016 Jul;18:1086-94; Campuzano O et al. EBioMedicine, 2020 Apr;54:102732; Bariani R et al. Biomolecules, 2022 Sep;12:[ePub ahead of print]). This variant is considered to be rare based on population cohorts in the Genome Aggregation Database (gnomAD). This alteration is expected to result in loss of function by premature protein truncation or nonsense-mediated mRNA decay. As such, this alteration is interpreted as a disease-causing mutation.

Labcorp Genetics (formerly Invitae), Labcorp
Classification: Pathogenic for Arrhythmogenic right ventricular dysplasia 9. Last evaluated: 2025-04-11. Review status: criteria provided, single submitter. Criteria: Invitae Variant Classification Sherloc (09022015). Collection method: clinical testing. Allele origin: germline.
Comment: This sequence change creates a premature translational stop signal (p.Gln59*) in the PKP2 gene. It is expected to result in an absent or disrupted protein product. Loss-of-function variants in PKP2 are known to be pathogenic (PMID: 15489853, 17041889, 23911551). This variant is not present in population databases (gnomAD no frequency). This premature translational stop signal has been observed in individual(s) with arrhythmogenic right ventricular cardiomyopathy (PMID: 24070718). ClinVar contains an entry for this variant (Variation ID: 945472). For these reasons, this variant has been classified as Pathogenic.

Literature cited by the submitters: PubMed 24070718 (cited by Ambry Genetics and Labcorp Genetics (formerly Invitae), Labcorp); PubMed 26138720 (cited by Ambry Genetics); PubMed 32268277 (cited by Ambry Genetics); PubMed 36139162 (cited by Ambry Genetics); PubMed 15489853 (cited by Labcorp Genetics (formerly Invitae), Labcorp); PubMed 17041889 (cited by Labcorp Genetics (formerly Invitae), Labcorp); PubMed 23911551 (cited by Labcorp Genetics (formerly Invitae), Labcorp).

NM_001005242.3(PKP2):c.175C>T (p.Gln59Ter)

Gene: PKP2 (plakophilin 2; minus strand). Cytogenetic location: 12p11.21.
Variant type: single nucleotide variant.
Coding change: c.175C>T on transcript NM_001005242.3 (MANE Select); coding-DNA position 175, C replaced by T.
Protein change: p.Gln59Ter; replaces glutamine 59 with a stop codon.
Molecular consequence: nonsense.
Genome position (GRCh38, 1-based): chr12:32,896,557, G>A on the plus strand (C>T on the coding strand, the complement: PKP2 is on the minus strand). VCF-style: chr12-32896557-G-A. GRCh37 (hg19) VCF-style: chr12-33049491-G-A.
Other names: c.175C>T, p.Gln59Ter (NM_004572.4); short protein forms Q59*.
Identifiers: ClinVar variation 945472 (VCV000945472.10), dbSNP rs1957126844, ClinGen allele CA384370885.